The following is an entry in ClinVar:

ClinVar aggregate classification (germline): Uncertain significance. Review status: criteria provided, multiple submitters, no conflicts (2 of 4 stars). 2 submissions from 2 submitters: Uncertain significance (2). Last evaluated 2024-05-08.

Conditions:
Developmental and epileptic encephalopathy, 41 (DEE41). Also called: Epileptic encephalopathy, early infantile, 41. Identifiers: MedGen C4310717, MONDO:0014916, OMIM 617105.

Allele frequency attached by ClinVar (database versions not stated): gnomAD exomes below 0.00001; ExAC 0.00001.
gnomAD v4.1: 1 of 1,614,070 alleles (0.000062%); highest among the groups gnomAD compares: Admixed American, 0.0017%; no homozygotes.

Submissions (2):

Labcorp Genetics (formerly Invitae), Labcorp
Classification: Uncertain significance. Last evaluated: 2024-05-08. Review status: criteria provided, single submitter. Criteria: Invitae Variant Classification Sherloc (09022015). Collection method: clinical testing. Allele origin: germline.
Comment: This sequence change replaces phenylalanine, which is neutral and non-polar, with leucine, which is neutral and non-polar, at codon 185 of the SLC1A2 protein (p.Phe185Leu). This variant is present in population databases (rs751782700, gnomAD 0.003%). This variant has not been reported in the literature in individuals affected with SLC1A2-related conditions. ClinVar contains an entry for this variant (Variation ID: 1034056). Advanced modeling of protein sequence and biophysical properties (such as structural, functional, and spatial information, amino acid conservation, physicochemical variation, residue mobility, and thermodynamic stability) performed at Invitae indicates that this missense variant is not expected to disrupt SLC1A2 protein function with a negative predictive value of 80%. In summary, the available evidence is currently insufficient to determine the role of this variant in disease. Therefore, it has been classified as a Variant of Uncertain Significance.

Baylor Genetics
Classification: Uncertain significance for Developmental and epileptic encephalopathy, 41. Last evaluated: 2018-05-30. Review status: criteria provided, single submitter. Criteria: ACMG Guidelines, 2015. Collection method: clinical testing. Allele origin: unknown. Affected: yes.
Comment: This variant was determined to be of uncertain significance according to ACMG Guidelines, 2015 [PMID:25741868].

NM_004171.4(SLC1A2):c.555T>A (p.Phe185Leu)

Gene: SLC1A2 (solute carrier family 1 member 2; minus strand). Cytogenetic location: 11p13.
Variant type: single nucleotide variant.
Coding change: c.555T>A on transcript NM_004171.4 (MANE Select); coding-DNA position 555, T replaced by A.
Protein change: p.Phe185Leu; replaces phenylalanine 185 with leucine.
Molecular consequence: missense variant.
Genome position (GRCh38, 1-based): chr11:35,312,204, A>T on the plus strand (T>A on the coding strand, the complement: SLC1A2 is on the minus strand). VCF-style: chr11-35312204-A-T. GRCh37 (hg19) VCF-style: chr11-35333751-A-T.
Other names: c.528T>A, p.Phe176Leu (NM_001195728.3, NM_001252652.2); short protein forms F176L, F185L.
Identifiers: ClinVar variation 1034056 (VCV001034056.3), dbSNP rs751782700, ClinGen allele CA5947304.